The following is an entry in ClinVar:

NM_001430.5(EPAS1):c.1924G>A (p.Asp642Asn)

Gene: EPAS1 (endothelial PAS domain protein 1; plus strand). Cytogenetic location: 2p21.
Variant type: single nucleotide variant.
Coding change: c.1924G>A on transcript NM_001430.5 (MANE Select); coding-DNA position 1924, G replaced by A.
Protein change: p.Asp642Asn; replaces aspartic acid 642 with asparagine.
Molecular consequence: missense variant.
Genome position (GRCh38, 1-based): chr2:46,380,596, G>A. VCF-style: chr2-46380596-G-A. GRCh37 (hg19) VCF-style: chr2-46607735-G-A.
Other names: short protein forms D642N.
Identifiers: ClinVar variation 1782750 (VCV001782750.3), dbSNP rs1684865227, ClinGen allele CA346705162.

ClinVar aggregate classification (germline): Uncertain significance. Review status: criteria provided, multiple submitters, no conflicts (2 of 4 stars). 2 submissions from 2 submitters: Uncertain significance (2). Last evaluated 2025-05-05.

Conditions:
Inborn genetic diseases. Identifiers: MedGen C0950123, MeSH D030342.

Submissions (2):

Labcorp Genetics (formerly Invitae), Labcorp
Classification: Uncertain significance. Last evaluated: 2025-05-05. Review status: criteria provided, single submitter. Criteria: Invitae Variant Classification Sherloc (09022015). Collection method: clinical testing. Allele origin: germline.
Comment: This sequence change replaces aspartic acid, which is acidic and polar, with asparagine, which is neutral and polar, at codon 642 of the EPAS1 protein (p.Asp642Asn). This variant is not present in population databases (gnomAD no frequency). This variant has not been reported in the literature in individuals affected with EPAS1-related conditions. ClinVar contains an entry for this variant (Variation ID: 1782750). An algorithm developed to predict the effect of missense changes on protein structure and function (PolyPhen-2) suggests that this variant is likely to be disruptive. In summary, the available evidence is currently insufficient to determine the role of this variant in disease. Therefore, it has been classified as a Variant of Uncertain Significance.

Ambry Genetics
Classification: Uncertain significance for Inborn genetic diseases. Last evaluated: 2022-08-05. Review status: criteria provided, single submitter. Criteria: Ambry Variant Classification Scheme 2023. Collection method: clinical testing. Allele origin: germline.
Comment: The p.D642N variant (also known as c.1924G>A), located in coding exon 12 of the EPAS1 gene, results from a G to A substitution at nucleotide position 1924. The aspartic acid at codon 642 is replaced by asparagine, an amino acid with highly similar properties. This amino acid position is conserved. In addition, this alteration is predicted to be tolerated by in silico analysis. Since supporting evidence is limited at this time, the clinical significance of this alteration remains unclear.